The following is an entry in ClinVar:

NM_139057.4(ADAMTS17):c.1280C>T (p.Ser427Phe)

Gene: ADAMTS17 (ADAM metallopeptidase with thrombospondin type 1 motif 17; minus strand). Cytogenetic location: 15q26.3.
Variant type: single nucleotide variant.
Coding change: c.1280C>T on transcript NM_139057.4 (MANE Select); coding-DNA position 1280, C replaced by T.
Protein change: p.Ser427Phe; replaces serine 427 with phenylalanine.
Molecular consequence: missense variant.
Genome position (GRCh38, 1-based): chr15:100,155,222, G>A on the plus strand (C>T on the coding strand, the complement: ADAMTS17 is on the minus strand). VCF-style: chr15-100155222-G-A. GRCh37 (hg19) VCF-style: chr15-100695427-G-A.
Other names: short protein forms S427F.
Identifiers: ClinVar variation 1359287 (VCV001359287.8), dbSNP rs1596126129, ClinGen allele CA393934461.

ClinVar aggregate classification (germline): Uncertain significance (1 of 4 stars; one submission).

Submission:

Labcorp Genetics (formerly Invitae), Labcorp
Classification: Uncertain significance. Last evaluated: 2022-06-20. Review status: criteria provided, single submitter. Criteria: Invitae Variant Classification Sherloc (09022015). Collection method: clinical testing. Allele origin: germline.
Comment: This sequence change replaces serine, which is neutral and polar, with phenylalanine, which is neutral and non-polar, at codon 427 of the ADAMTS17 protein (p.Ser427Phe). This variant is not present in population databases (gnomAD no frequency). This variant has not been reported in the literature in individuals affected with ADAMTS17-related conditions. Algorithms developed to predict the effect of missense changes on protein structure and function are either unavailable or do not agree on the potential impact of this missense change (SIFT: "Not Available"; PolyPhen-2: "Probably Damaging"; Align-GVGD: "Not Available"). In summary, the available evidence is currently insufficient to determine the role of this variant in disease. Therefore, it has been classified as a Variant of Uncertain Significance.